The following is an entry in ClinVar:

ClinVar aggregate classification (germline): Conflicting classifications of pathogenicity. Review status: criteria provided, conflicting classifications (1 of 4 stars). 3 submissions from 3 submitters: Uncertain significance (2); Likely benign (1). Last evaluated 2025-09-05.

Conditions:
Charcot-Marie-Tooth disease type 4. Also called: Charcot-Marie-Tooth disease, type IV; Charcot-Marie-Tooth, Type 4. Identifiers: Orphanet 64749, MedGen C4082197, MONDO:0018995.
Inborn genetic diseases. Identifiers: MedGen C0950123, MeSH D030342.

Allele frequency attached by ClinVar (database versions not stated): gnomAD exomes 0.00002; TOPMed 0.00002; ESP Exome Variant Server 0.00008; ExAC 0.00002; gnomAD 0.00002.
gnomAD v4.1: 37 of 1,614,036 alleles (0.0023%); highest among the groups gnomAD compares: Non-Finnish European, 0.003%; no homozygotes.

Submissions (3):

Labcorp Genetics (formerly Invitae), Labcorp
Classification: Likely benign for Charcot-Marie-Tooth disease type 4. Last evaluated: 2025-09-05. Review status: criteria provided, single submitter. Criteria: Invitae Variant Classification Sherloc (09022015). Collection method: clinical testing. Allele origin: germline.

Ambry Genetics
Classification: Uncertain significance for Inborn genetic diseases. Last evaluated: 2021-04-23. Review status: criteria provided, single submitter. Criteria: Ambry Variant Classification Scheme 2023. Collection method: clinical testing. Allele origin: germline.
Comment: The p.I1253V variant (also known as c.3757A>G), located in coding exon 17 of the SH3TC2 gene, results from an A to G substitution at nucleotide position 3757. The isoleucine at codon 1253 is replaced by valine, an amino acid with highly similar properties. This amino acid position is well conserved in available vertebrate species; however, valine is the reference amino acid in other vertebrate species. In addition, the in silico prediction for this alteration is inconclusive. Since supporting evidence is limited at this time, the clinical significance of this alteration remains unclear.

Eurofins Ntd Llc (ga)
Classification: Uncertain significance. Last evaluated: 2016-04-20. Review status: criteria provided, single submitter. Criteria: EGL Classification Definitions 2015. Collection method: clinical testing. Allele origin: germline. Observed: 1 variant allele, 1 heterozygote.

NM_024577.4(SH3TC2):c.3757A>G (p.Ile1253Val)

Gene: SH3TC2 (SH3 domain and tetratricopeptide repeats 2; minus strand). Cytogenetic location: 5q32.
Variant type: single nucleotide variant.
Coding change: c.3757A>G on transcript NM_024577.4 (MANE Select); coding-DNA position 3757, A replaced by G.
Protein change: p.Ile1253Val; replaces isoleucine 1253 with valine.
Molecular consequence: missense variant.
Genome position (GRCh38, 1-based): chr5:149,004,821, T>C on the plus strand (A>G on the coding strand, the complement: SH3TC2 is on the minus strand). VCF-style: chr5-149004821-T-C. GRCh37 (hg19) VCF-style: chr5-148384384-T-C.
Other names: short protein forms I1253V.
Identifiers: ClinVar variation 287406 (VCV000287406.17), dbSNP rs147931490, ClinGen allele CA3498635.